The following is an entry in ClinVar:

ClinVar aggregate classification (germline): Likely benign (1 of 4 stars; one submission).

Conditions:
SCAPER-related disorder. Also called: SCAPER-related condition.

gnomAD v4.1: 7 of 1,613,946 alleles (0.00043%); highest among the groups gnomAD compares: Non-Finnish European, 0.00059%; no homozygotes.

Submission:

PreventionGenetics, part of Exact Sciences
Classification: Likely benign for SCAPER-related condition. Last evaluated: 2026-02-02. Review status: criteria provided, single submitter. Criteria: ACMG Guidelines, 2015. Collection method: clinical testing. Allele origin: germline.
Comment: This variant is classified as likely benign based on ACMG/AMP sequence variant interpretation guidelines (Richards et al. 2015 PMID: 25741868, with internal and published modifications).

NM_020843.4(SCAPER):c.1548A>G (p.Glu516=)

Gene: SCAPER (S-phase cyclin A associated protein in the ER; minus strand). Cytogenetic location: 15q24.3.
Variant type: single nucleotide variant.
Coding change: c.1548A>G on transcript NM_020843.4 (MANE Select); coding-DNA position 1548, A replaced by G.
Protein change: p.Glu516=; no amino-acid change (glutamic acid 516 retained).
Molecular consequence: synonymous variant. On other transcripts: non-coding transcript variant (1).
Genome position (GRCh38, 1-based): chr15:76,765,402, T>C on the plus strand (A>G on the coding strand, the complement: SCAPER is on the minus strand). VCF-style: chr15-76765402-T-C. GRCh37 (hg19) VCF-style: chr15-77057743-T-C.
Other names: c.810A>G, p.Glu270= (NM_001145923.2); c.1566A>G, p.Glu522= (NM_001353009.2); c.1146A>G, p.Glu382= (NM_001353010.2, NM_001353012.2); c.1164A>G, p.Glu388= (NM_001353011.2).
Identifiers: ClinVar variation 4988991 (VCV004988991.1).
Genomic context (GRCh38, chr15:76,765,402, plus strand): 5'-ACGAGAGGGTGAAGAAAGTTTTTCATGCATGTGAATTCCATGCCCTGGAGGTCTAGCAGG[T>C]TCTTCTTCTACAATGTCCCCCCAGGATGTATTTTGGCGCCAAGACTCACGAGCTGTTCAG-3'
Protein context (NP_065894.2, residues 506-526): NTSWGDIVEE[Glu516=]PARPPGHGIH